The following is an entry in ClinVar:

NM_000719.7(CACNA1C):c.35A>T (p.Glu12Val)

Gene: CACNA1C (calcium voltage-gated channel subunit alpha1 C; plus strand). Cytogenetic location: 12p13.33.
Variant type: single nucleotide variant.
Coding change: c.35A>T on transcript NM_000719.7 (MANE Select); coding-DNA position 35, A replaced by T.
Protein change: p.Glu12Val; replaces glutamic acid 12 with valine.
Molecular consequence: missense variant.
Genome position (GRCh38, 1-based): chr12:2,053,597, A>T. VCF-style: chr12-2053597-A-T. GRCh37 (hg19) VCF-style: chr12-2162763-A-T.
Other names: c.35A>T, p.Glu12Val (NM_001129827.2, NM_001129829.2, NM_001129830.3 and 19 more transcripts); short protein forms E12V.
Identifiers: ClinVar variation 697680 (VCV000697680.15), dbSNP rs751212715, ClinGen allele CA6388353.
Genomic context (GRCh38, chr12:2,053,597, plus strand): 5'-CCTCCTATTAAAACCATTTTTGGTCCATGGTCAATGAGAATACGAGGATGTACATTCCAG[A>T]GGAAAACCACCAAGGTAAGGCTGGACCCCGCCGCCTCGCCGGGGCTCCCTGCCTTTTCCA-3'
Protein context (NP_000710.5, residues 2-22): VNENTRMYIP[Glu12Val]ENHQGSNYGS

ClinVar aggregate classification (germline): Likely benign. Review status: criteria provided, multiple submitters, no conflicts (2 of 4 stars). 4 submissions from 4 submitters: Likely benign (4). Last evaluated 2026-09-21.

Conditions:
Long QT syndrome (LQTS). Identifiers: MedGen C0023976, MeSH D008133, MONDO:0002442. Disease mechanism: loss of function. Inheritance: Various modes of inheritance.
CACNA1C-related disorder. Also called: CACNA1C-related condition; CACNA1C-related disorders. Identifiers: MedGen CN381092, MONDO:0700321.
Cardiovascular phenotype. Identifiers: MedGen CN230736.

Allele frequency attached by ClinVar (database versions not stated): TOPMed 0.00006; gnomAD exomes 0.00014 and 0.00006; ExAC 0.00028.
gnomAD v4.1: 34 of 1,599,100 alleles (0.0021%); highest among the groups gnomAD compares: Admixed American, 0.058%; no homozygotes.

Submissions (4):

PreventionGenetics, part of Exact Sciences
Classification: Likely benign for CACNA1C-related condition. Last evaluated: 2026-09-21. Review status: criteria provided, single submitter. Criteria: ACMG Guidelines, 2015. Collection method: clinical testing. Allele origin: germline.
Comment: This variant is classified as likely benign based on ACMG/AMP sequence variant interpretation guidelines (Richards et al. 2015 PMID: 25741868, with internal and published modifications).

Labcorp Genetics (formerly Invitae), Labcorp
Classification: Likely benign for Long QT syndrome. Last evaluated: 2025-11-23. Review status: criteria provided, single submitter. Criteria: Invitae Variant Classification Sherloc (09022015). Collection method: clinical testing. Allele origin: germline.

Women's Health and Genetics/Laboratory Corporation of America, LabCorp
Classification: Likely benign. Last evaluated: 2024-10-28. Review status: criteria provided, single submitter. Criteria: LabCorp Variant Classification Summary - May 2015. Collection method: clinical testing. Allele origin: germline.
Comment: Variant summary: CACNA1C c.35A>T (p.Glu12Val) results in a non-conservative amino acid change in the encoded protein sequence. Two of four in-silico tools predict a benign effect of the variant on protein function. The variant allele was found at a frequency of 0.00014 in 223562 control chromosomes, predominantly at a frequency of 0.00099 within the Latino subpopulation in the gnomAD database. The observed variant frequency within Latino control individuals in the gnomAD database is approximately 99 fold of the estimated maximal expected allele frequency for a pathogenic variant in CACNA1C causing Timothy Syndrome phenotype (1e-05). To our knowledge, no occurrence of c.35A>T in individuals affected with Timothy Syndrome and no experimental evidence demonstrating its impact on protein function have been reported. ClinVar contains an entry for this variant (Variation ID: 697680). Based on the evidence outlined above, the variant was classified as likely benign.

Ambry Genetics
Classification: Likely benign for Cardiovascular phenotype. Last evaluated: 2019-10-16. Review status: criteria provided, single submitter. Criteria: Ambry Variant Classification Scheme 2023. Collection method: clinical testing. Allele origin: germline.